The following is an entry in ClinVar:

NM_014908.4(DOLK):c.1283A>C (p.Gln428Pro)

Gene: DOLK (dolichol kinase; minus strand). Cytogenetic location: 9q34.11.
Variant type: single nucleotide variant.
Coding change: c.1283A>C on transcript NM_014908.4 (MANE Select); coding-DNA position 1283, A replaced by C.
Protein change: p.Gln428Pro; replaces glutamine 428 with proline.
Molecular consequence: missense variant.
Genome position (GRCh38, 1-based): chr9:128,946,021, T>G on the plus strand (A>C on the coding strand, the complement: DOLK is on the minus strand). VCF-style: chr9-128946021-T-G. GRCh37 (hg19) VCF-style: chr9-131708300-T-G.
Other names: short protein forms Q428P.
Identifiers: ClinVar variation 940209 (VCV000940209.11), dbSNP rs189623590, ClinGen allele CA5271594.

ClinVar aggregate classification (germline): Conflicting classifications of pathogenicity. Review status: criteria provided, conflicting classifications (1 of 4 stars). 3 submissions from 3 submitters: Uncertain significance (2); Likely benign (1). Last evaluated 2025-04-10.

Conditions:
DK1-congenital disorder of glycosylation. Also called: DK1-CDG; CONGENITAL DISORDER OF GLYCOSYLATION, TYPE Im; CDG Im; DK1 DEFICIENCY; DOLICHOL KINASE DEFICIENCY; DOLK-congenital disorder of glycosylation. Identifiers: Orphanet 91131, MedGen C1835849, MONDO:0012556, OMIM 610768.
Cardiovascular phenotype. Identifiers: MedGen CN230736.

Allele frequency attached by ClinVar (database versions not stated): gnomAD exomes below 0.00001 and 0.00001; ExAC 0.00002; gnomAD 0.00003 and 0.00004; TOPMed 0.00005; ESP Exome Variant Server 0.00008.

Submissions (3):

Ambry Genetics
Classification: Likely benign for Cardiovascular phenotype. Last evaluated: 2025-04-10. Review status: criteria provided, single submitter. Criteria: Ambry Variant Classification Scheme 2023. Collection method: clinical testing. Allele origin: germline.

GeneDx
Classification: Uncertain significance. Last evaluated: 2024-07-31. Review status: criteria provided, single submitter. Criteria: GeneDx Variant Classification Process June 2021. Collection method: clinical testing. Allele origin: germline. Affected: yes.
Comment: In silico analysis indicates that this missense variant does not alter protein structure/function; Has not been previously published as pathogenic or benign to our knowledge

Labcorp Genetics (formerly Invitae), Labcorp
Classification: Uncertain significance for DK1-congenital disorder of glycosylation. Last evaluated: 2022-04-11. Review status: criteria provided, single submitter. Criteria: Invitae Variant Classification Sherloc (09022015). Collection method: clinical testing. Allele origin: germline.
Comment: This sequence change replaces glutamine, which is neutral and polar, with proline, which is neutral and non-polar, at codon 428 of the DOLK protein (p.Gln428Pro). This variant is present in population databases (rs189623590, gnomAD 0.02%). This variant has not been reported in the literature in individuals affected with DOLK-related conditions. ClinVar contains an entry for this variant (Variation ID: 940209). Algorithms developed to predict the effect of missense changes on protein structure and function (SIFT, PolyPhen-2, Align-GVGD) all suggest that this variant is likely to be tolerated. In summary, the available evidence is currently insufficient to determine the role of this variant in disease. Therefore, it has been classified as a Variant of Uncertain Significance.